The following is an entry in ClinVar:

NM_001365088.1(SLC12A6):c.2323C>T (p.Arg775Cys)

Gene: SLC12A6 (solute carrier family 12 member 6; minus strand). Cytogenetic location: 15q14.
Variant type: single nucleotide variant.
Coding change: c.2323C>T on transcript NM_001365088.1 (MANE Select); coding-DNA position 2323, C replaced by T.
Protein change: p.Arg775Cys; replaces arginine 775 with cysteine.
Molecular consequence: missense variant.
Genome position (GRCh38, 1-based): chr15:34,240,774, G>A on the plus strand (C>T on the coding strand, the complement: SLC12A6 is on the minus strand). VCF-style: chr15-34240774-G-A. GRCh37 (hg19) VCF-style: chr15-34532975-G-A.
Other names: c.2146C>T, p.Arg716Cys (NM_001042495.2, NM_001042494.2); c.2296C>T, p.Arg766Cys (NM_001042496.2); c.2278C>T, p.Arg760Cys (NM_001042497.2); c.2170C>T, p.Arg724Cys (NM_005135.2); c.2323C>T, p.Arg775Cys (NM_133647.2); short protein forms R716C, R724C, R760C, R766C, R775C.
Identifiers: ClinVar variation 1334057 (VCV001334057.7), dbSNP rs753271582, ClinGen allele CA7464099.

ClinVar aggregate classification (germline): Uncertain significance. Review status: criteria provided, multiple submitters, no conflicts (2 of 4 stars). 3 submissions from 3 submitters: Uncertain significance (3). Last evaluated 2022-12-19.

Conditions:
Agenesis of the corpus callosum with peripheral neuropathy (ACCPN). Also called: POLYNEUROPATHY, SENSORIMOTOR, WITH OR WITHOUT AGENESIS OF THE CORPUS CALLOSUM; Hereditary Motor and Sensory Neuropathy with Agenesis of the Corpus Callosum; CHARLEVOIX DISEASE; HMSN/ACC. Identifiers: Orphanet 1496, MedGen C0795950, MONDO:0000902, OMIM 218000. Disease mechanism: loss of function.
Inborn genetic diseases. Identifiers: MedGen C0950123, MeSH D030342.

Allele frequency attached by ClinVar (database versions not stated): gnomAD 0.00001; gnomAD exomes 0.00002 and 0.00003; ExAC 0.00004.
gnomAD v4.1: 29 of 1,613,854 alleles (0.0018%); highest among the groups gnomAD compares: Middle Eastern, 0.016%; no homozygotes.

Submissions (3):

Ambry Genetics
Classification: Uncertain significance for Inborn genetic diseases. Last evaluated: 2022-12-19. Review status: criteria provided, single submitter. Criteria: Ambry Variant Classification Scheme 2023. Collection method: clinical testing. Allele origin: germline.

Labcorp Genetics (formerly Invitae), Labcorp
Classification: Uncertain significance. Last evaluated: 2021-09-01. Review status: criteria provided, single submitter. Criteria: Invitae Variant Classification Sherloc (09022015). Collection method: clinical testing. Allele origin: germline.
Comment: This sequence change replaces arginine with cysteine at codon 775 of the SLC12A6 protein (p.Arg775Cys). The arginine residue is moderately conserved and there is a large physicochemical difference between arginine and cysteine. This variant is present in population databases (rs753271582, ExAC 0.02%). This variant has not been reported in the literature in individuals affected with SLC12A6-related conditions. Algorithms developed to predict the effect of missense changes on protein structure and function are either unavailable or do not agree on the potential impact of this missense change (SIFT: "Deleterious"; PolyPhen-2: "Possibly Damaging"; Align-GVGD: "Class C0"). In summary, the available evidence is currently insufficient to determine the role of this variant in disease. Therefore, it has been classified as a Variant of Uncertain Significance.

CENTOGENE GmbH and LLC - Guiding Precision Medicine
Classification: Uncertain significance for Agenesis of the corpus callosum with peripheral neuropathy. Last evaluated: 2020-06-05. Review status: criteria provided, single submitter. Criteria: ACMG Guidelines, 2015. Collection method: clinical testing. Allele origin: paternal. Affected: yes.